The following is an entry in ClinVar:

NM_006073.4(TRDN):c.1805-6_1805-4delinsTTT

Gene: TRDN (triadin; minus strand). Cytogenetic location: 6q22.31.
Variant type: Indel.
Coding change: c.1805-6_1805-4delinsTTT on transcript NM_006073.4 (MANE Select); 6 bases into the intron before coding-DNA position 1805 through 4 bases into the intron before coding-DNA position 1805, CTA replaced by TTT.
Molecular consequence: intron variant.
Genome position (GRCh38, 1-based): chr6:123,260,642-123,260,644, TAG replaced by AAA on the plus strand (CTA replaced by TTT on the coding strand, the reverse complement: TRDN is on the minus strand). VCF-style: chr6-123260642-TAG-AAA. GRCh37 (hg19) VCF-style: chr6-123581787-TAG-AAA.
Identifiers: ClinVar variation 2447973 (VCV002447973.2), dbSNP rs2533525802, ClinGen allele CA2580074841.
Genomic context (GRCh38, chr6:123,260,642, plus strand): 5'-CTTATCTCCTCTGAAAAAGTAAATATTTACCTGATTCTGTGACTTCTGATGTTCCTTCTT[TAG>AAA]AAAAAAAAAAAAAAAGAATGTAGAAAGAAAGGAAAAAAAATAAAAAGAAAAAGTATAGTT-3'

ClinVar aggregate classification (germline): Uncertain significance (1 of 4 stars; one submission).

Conditions:
Cardiovascular phenotype. Identifiers: MedGen CN230736.

Submission:

Ambry Genetics
Classification: Uncertain significance for Cardiovascular phenotype. Last evaluated: 2022-11-11. Review status: criteria provided, single submitter. Criteria: Ambry Variant Classification Scheme 2023. Collection method: clinical testing. Allele origin: germline.
Comment: The c.1805-6_1805-4delCTAinsTTT intronic variant is located four nucleotides upstream of coding exon 34 in the TRDN gene. This variant results from a deletion of 3 nucleotides and the insertion of 3 nucleotides at nucleotide positions c.1805-6 to c.1805-4. These nucleotide positions are well conserved in available vertebrate species. Using the BDGP splice site prediction tool, this alteration does not have any significant effect on the native acceptor splice site; however, direct evidence is unavailable. Since supporting evidence is limited at this time, the clinical significance of this alteration remains unclear.